The following is an entry in ClinVar:

ClinVar aggregate classification (germline): Pathogenic (1 of 4 stars; one submission).

Conditions:
Ethylmalonic encephalopathy (EE). Also called: Syndrome of encephalopathy, petechiae, and ethylmalonic aciduria; EPEMA syndrome; Encephalopathy, petechiae, and ethylmalonic aciduria. Identifiers: Orphanet 51188, MedGen C1865349, MONDO:0011229, OMIM 602473. Disease mechanism: loss of function.

Submission:

Labcorp Genetics (formerly Invitae), Labcorp
Classification: Pathogenic for Ethylmalonic encephalopathy. Last evaluated: 2023-04-30. Review status: criteria provided, single submitter. Criteria: Invitae Variant Classification Sherloc (09022015). Collection method: clinical testing. Allele origin: germline.
Comment: This variant has not been reported in the literature in individuals affected with ETHE1-related conditions. This variant is not present in population databases (gnomAD no frequency). This sequence change creates a premature translational stop signal (p.Ile85Thrfs*61) in the ETHE1 gene. It is expected to result in an absent or disrupted protein product. Loss-of-function variants in ETHE1 are known to be pathogenic (PMID: 14732903, 19136963). For these reasons, this variant has been classified as Pathogenic.

Literature cited by the submitters: PubMed 14732903; PubMed 19136963.

NM_014297.5(ETHE1):c.252_253dup (p.Ile85fs)

Gene: ETHE1 (ETHE1 persulfide dioxygenase; minus strand). Cytogenetic location: 19q13.31.
Variant type: Microsatellite.
Coding change: c.252_253dup on transcript NM_014297.5 (MANE Select); coding-DNA positions 252 to 253, 2 bases duplicated (CA; older notation c.252_253dupCA).
Protein change: p.Ile85fs; shifts the reading frame from isoleucine 85.
Molecular consequence: frameshift variant. On other transcripts: intron variant (3).
Genome position (GRCh38, 1-based): chr19:43,526,323-43,526,324, TG duplicated on the plus strand (CA on the coding strand, the reverse complement: ETHE1 is on the minus strand); duplicating any 2 consecutive bases within chr19:43,526,323-43,526,326 gives the same sequence; the c. name uses the placement nearest the transcript's 3' end. VCF-style (leftmost placement, unchanged base first): chr19-43526322-A-ATG. GRCh37 (hg19) VCF-style: chr19-44030474-A-ATG.
Other names: c.81+771CA[3] (NM_001320869.2); c.6+189CA[3] (NM_001320868.2); c.227-10CA[3] (NM_001320867.2); short protein forms I85fs.
Identifiers: ClinVar variation 2858077 (VCV002858077.3), dbSNP rs2513629530, ClinGen allele CA2739276873.
Genomic context (GRCh38, chr19:43,526,322, plus strand): 5'-AGGCGGGAGATGACAGACTGGCAGCCAGGGAGGAGGGAACGGAGCAGCCCCGAGCCTGTA[A>ATG]TGTGGTCCGCGTGGCAGTGGGTATTCACTGGGAGAGAGAGGAGGGACAGGTCCGGAGGGT-3'